The following is an entry in ClinVar:

ClinVar aggregate classification (germline): Uncertain significance (1 of 4 stars; one submission).

Conditions:
ANKZF1-related disorder. Also called: ANKZF1-related condition.

Allele frequency attached by ClinVar (database versions not stated): gnomAD exomes below 0.00001; ExAC 0.00001.

Submission:

PreventionGenetics, part of Exact Sciences
Classification: Uncertain significance for ANKZF1-related condition. Last evaluated: 2022-08-19. Review status: criteria provided, single submitter. Criteria: ACMG Guidelines, 2015. Collection method: clinical testing. Allele origin: germline.
Comment: The ANKZF1 c.877A>G variant is predicted to result in the amino acid substitution p.Thr293Ala. To our knowledge, this variant has not been reported in the literature. This variant is reported in 0.00089% of alleles in individuals of European (Non-Finnish) descent in gnomAD. At this time, the clinical significance of this variant is uncertain due to the absence of conclusive functional and genetic evidence.

NM_018089.3(ANKZF1):c.877A>G (p.Thr293Ala)

Gene: ANKZF1 (ankyrin repeat and zinc finger peptidyl tRNA hydrolase 1; plus strand). Cytogenetic location: 2q35.
Variant type: single nucleotide variant.
Coding change: c.877A>G on transcript NM_018089.3 (MANE Select); coding-DNA position 877, A replaced by G.
Protein change: p.Thr293Ala; replaces threonine 293 with alanine.
Molecular consequence: missense variant.
Genome position (GRCh38, 1-based): chr2:219,233,772, A>G. VCF-style: chr2-219233772-A-G. GRCh37 (hg19) VCF-style: chr2-220098494-A-G.
Other names: c.877A>G, p.Thr293Ala (NM_001042410.2); c.247A>G, p.Thr83Ala (NM_001282792.2); short protein forms T293A, T83A.
Identifiers: ClinVar variation 2636411 (VCV002636411.1), dbSNP rs748552502, ClinGen allele CA2120899.